The following is an entry in ClinVar:

ClinVar aggregate classification (germline): Uncertain significance (1 of 4 stars; one submission).

Submission:

Women's Health and Genetics/Laboratory Corporation of America, LabCorp
Classification: Uncertain significance. Last evaluated: 2026-04-28. Review status: criteria provided, single submitter. Criteria: LabCorp Variant Classification Summary - May 2015. Collection method: clinical testing. Allele origin: germline.
Comment: Variant summary: WNT9B c.213_214delGC (p.Glu71AspfsX5) results in a premature termination codon, predicted to cause a truncation of the encoded protein or absence of the protein due to nonsense mediated decay, however current evidence is not sufficient to establish loss of function as a mechanism for disease. The frequency data for this variant in gnomAD is considered unreliable, as metrics indicate poor data quality at this position. To our knowledge, no occurrence of c.213_214delGC in individuals affected with WNT9B-related conditions and no experimental evidence demonstrating its impact on protein function have been reported. No submitters have cited clinical-significance assessments for this variant to ClinVar. Based on the evidence outlined above, the variant was classified as uncertain significance.

NM_003396.3(WNT9B):c.213_214del (p.Glu71fs)

Genes: LRRC37A2 (leucine rich repeat containing 37 member A2), WNT9B (Wnt family member 9B; plus strand). Cytogenetic location: 17q21.32.
Variant type: Deletion.
Coding change: c.213_214del on transcript NM_003396.3 (MANE Select); coding-DNA positions 213 to 214, 2 bases deleted (GC; older notation c.213_214delGC).
Protein change: p.Glu71fs; shifts the reading frame from glutamic acid 71.
Molecular consequence: frameshift variant.
Genome position (GRCh38, 1-based): chr17:46,872,652-46,872,653, GC deleted. VCF-style (leftmost placement, unchanged base first): chr17-46872651-AGC-A. GRCh37 (hg19) VCF-style: chr17-44950017-AGC-A.
Other names: c.213_214delGC (NM_003396.3); c.213_214del, p.Glu71fs (NM_001320458.2); short protein forms E71fs.
Identifiers: ClinVar variation 4848985 (VCV004848985.1).